The following is an entry in ClinVar:

ClinVar aggregate classification (germline): Pathogenic (1 of 4 stars; one submission).

Conditions:
Werner syndrome (WRN). Identifiers: Orphanet 902, MedGen C0043119, MONDO:0010196, OMIM 277700.

Submission:

Labcorp Genetics (formerly Invitae), Labcorp
Classification: Pathogenic for Werner syndrome. Last evaluated: 2021-05-29. Review status: criteria provided, single submitter. Criteria: Invitae Variant Classification Sherloc (09022015). Collection method: clinical testing. Allele origin: germline.
Comment: For these reasons, this variant has been classified as Pathogenic. This variant has not been reported in the literature in individuals with WRN-related conditions. This variant is a gross deletion of the genomic region encompassing exon(s) 18-23 of the WRN gene. This deletion is out-of-frame, and is expected to create a premature translational stop signal and result in an absent or disrupted protein product. Loss-of-function variants in WRN are known to be pathogenic (PMID: 16673358).

Literature cited by the submitters: PubMed 16673358.

NC_000008.10:g.(?_30958355)_(30982526_?)del

Gene: WRN (WRN RecQ like helicase; plus strand). Cytogenetic location: 8p12.
Variant type: Deletion.
Identifiers: ClinVar variation 1452591 (VCV001452591.6).